The following is an entry in ClinVar:

ClinVar aggregate classification (germline): Conflicting classifications of pathogenicity. Review status: criteria provided, conflicting classifications (1 of 4 stars). 3 submissions from 3 submitters: Likely pathogenic (2); Uncertain significance (1). Last evaluated 2025-10-03.

Conditions:
Hereditary cancer-predisposing syndrome. Also called: Neoplastic Syndromes, Hereditary; Tumor predisposition; Hereditary Cancer Syndrome; Hereditary neoplastic syndrome. Identifiers: Orphanet 140162, MedGen C0027672, MeSH D009386, MONDO:0015356.
Cardiovascular phenotype. Identifiers: MedGen CN230736.

Allele frequency attached by ClinVar (database versions not stated): gnomAD exomes below 0.00001.
gnomAD v4.1: 1 of 1,613,334 alleles (0.000062%); highest among the groups gnomAD compares: Non-Finnish European, 0.000085%; no homozygotes.

Submissions (3):

Ambry Genetics
Classification: Likely pathogenic for Cardiovascular phenotype; Hereditary cancer-predisposing syndrome. Last evaluated: 2025-10-03. Review status: criteria provided, single submitter. Criteria: Ambry Variant Classification Scheme 2023. Collection method: clinical testing. Allele origin: germline.
Comment: The c.2220-2A>C intronic variant results from an A to C substitution two nucleotides upstream from coding exon 19 in the LZTR1 gene. This variant is considered to be rare based on population cohorts in the Genome Aggregation Database (gnomAD). This nucleotide position is highly conserved in available vertebrate species. In silico splice site analysis predicts that this alteration will weaken the native splice acceptor site. Alterations that disrupt the canonical splice site are expected to cause aberrant splicing, resulting in an abnormal protein or a transcript that is subject to nonsense-mediated mRNA decay. Loss-of-function variants in LZTR1 are related to an increased risk for schwannomas and autosomal recessive Noonan syndrome; however, such associations with autosomal dominant Noonan syndrome have not been observed (Piotrowski A et al. Nat Genet. 2014 Feb;46:182-7; Yamamoto GL et al. J Med Genet. 2015 Jun;52:413-21; Johnston JJ et al. Genet Med. 2018 10;20:1175-1185). Based on the supporting evidence, this variant is likely pathogenic for an increased risk of LZTR1-related schwannomatosis (SWN) and would be expected to cause autosomal recessive Noonan syndrome when present along with a second pathogenic or likely pathogenic variant on the other allele; however, the association of this alteration with autosomal dominant Noonan syndrome is unlikely.

Labcorp Genetics (formerly Invitae), Labcorp
Classification: Likely pathogenic. Last evaluated: 2023-08-04. Review status: criteria provided, single submitter. Criteria: Invitae Variant Classification Sherloc (09022015). Collection method: clinical testing. Allele origin: germline.
Comment: In summary, the currently available evidence indicates that the variant is pathogenic, but additional data are needed to prove that conclusively. Therefore, this variant has been classified as Likely Pathogenic. Algorithms developed to predict the effect of sequence changes on RNA splicing suggest that this variant may disrupt the consensus splice site. This variant has not been reported in the literature in individuals affected with LZTR1-related conditions. This variant is not present in population databases (gnomAD no frequency). This sequence change affects an acceptor splice site in intron 18 of the LZTR1 gene. It is expected to disrupt RNA splicing. Variants that disrupt the donor or acceptor splice site typically lead to a loss of protein function (PMID: 16199547), and loss-of-function variants in LZTR1 are known to be pathogenic (PMID: 24362817, 25335493, 25480913, 25795793, 29469822, 30368668, 30442762, 30442766, 30481304, 30859559).

Blueprint Genetics
Classification: Uncertain significance. Last evaluated: 2018-02-10. Review status: criteria provided, single submitter. Criteria: ACMG Guidelines, 2015. Collection method: clinical testing. Allele origin: germline.

Literature cited by the submitters: PubMed 16199547 (cited by Labcorp Genetics (formerly Invitae), Labcorp); PubMed 24362817 (cited by Labcorp Genetics (formerly Invitae), Labcorp); PubMed 25335493 (cited by Labcorp Genetics (formerly Invitae), Labcorp); PubMed 25480913 (cited by Labcorp Genetics (formerly Invitae), Labcorp); PubMed 25795793 (cited by Labcorp Genetics (formerly Invitae), Labcorp); PubMed 29469822 (cited by Labcorp Genetics (formerly Invitae), Labcorp); PubMed 30368668 (cited by Labcorp Genetics (formerly Invitae), Labcorp); PubMed 30442762 (cited by Labcorp Genetics (formerly Invitae), Labcorp); PubMed 30442766 (cited by Labcorp Genetics (formerly Invitae), Labcorp); PubMed 30481304 (cited by Labcorp Genetics (formerly Invitae), Labcorp); PubMed 30859559 (cited by Labcorp Genetics (formerly Invitae), Labcorp).

NM_006767.4(LZTR1):c.2220-2A>C

Gene: LZTR1 (leucine zipper like post translational regulator 1; plus strand). Cytogenetic location: 22q11.21.
Variant type: single nucleotide variant.
Coding change: c.2220-2A>C on transcript NM_006767.4 (MANE Select); the canonical splice acceptor site of the intron before coding-DNA position 2220, A replaced by C.
Molecular consequence: splice acceptor variant.
Genome position (GRCh38, 1-based): chr22:20,996,694, A>C. VCF-style: chr22-20996694-A-C. GRCh37 (hg19) VCF-style: chr22-21350983-A-C.
Other names: c.2220-2A>C (NM_006767.3).
Identifiers: ClinVar variation 2989614 (VCV002989614.6), dbSNP rs2518625597, ClinGen allele CA410780715.